The following is an entry in ClinVar:

ClinVar aggregate classification (germline): Uncertain significance (1 of 4 stars; one submission).

Allele frequency attached by ClinVar (database versions not stated): gnomAD exomes below 0.00001.
gnomAD v4.1: 4 of 1,614,078 alleles (0.00025%); highest among the groups gnomAD compares: Non-Finnish European, 0.00034%; no homozygotes.

Submission:

Labcorp Genetics (formerly Invitae), Labcorp
Classification: Uncertain significance. Last evaluated: 2022-10-13. Review status: criteria provided, single submitter. Criteria: Invitae Variant Classification Sherloc (09022015). Collection method: clinical testing. Allele origin: germline.
Comment: This sequence change replaces leucine, which is neutral and non-polar, with phenylalanine, which is neutral and non-polar, at codon 101 of the SCP2 protein (p.Leu101Phe). This variant is present in population databases (no rsID available, gnomAD 0.007%). This variant has not been reported in the literature in individuals affected with SCP2-related conditions. ClinVar contains an entry for this variant (Variation ID: 1367784). Algorithms developed to predict the effect of missense changes on protein structure and function are either unavailable or do not agree on the potential impact of this missense change (SIFT: "Deleterious"; PolyPhen-2: "Probably Damaging"; Align-GVGD: "Class C0"). In summary, the available evidence is currently insufficient to determine the role of this variant in disease. Therefore, it has been classified as a Variant of Uncertain Significance.

NM_002979.5(SCP2):c.303G>T (p.Leu101Phe)

Gene: SCP2 (sterol carrier protein 2; plus strand). Cytogenetic location: 1p32.3.
Variant type: single nucleotide variant.
Coding change: c.303G>T on transcript NM_002979.5 (MANE Select); coding-DNA position 303, G replaced by T.
Protein change: p.Leu101Phe; replaces leucine 101 with phenylalanine.
Molecular consequence: missense variant. On other transcripts: intron variant (2).
Genome position (GRCh38, 1-based): chr1:52,950,858, G>T. VCF-style: chr1-52950858-G-T. GRCh37 (hg19) VCF-style: chr1-53416530-G-T.
Other names: c.231G>T, p.Leu77Phe (NM_001193599.2); c.60G>T, p.Leu20Phe (NM_001193617.2); c.303G>T, p.Leu101Phe (NM_001330587.2); c.199+2778G>T (NM_001193600.2, NM_001007098.3); short protein forms L101F, L20F, L77F.
Identifiers: ClinVar variation 1367784 (VCV001367784.5), dbSNP rs1010369315, ClinGen allele CA22594764.